The following is an entry in ClinVar:

ClinVar aggregate classification (germline): Likely benign (0 of 4 stars; one submission).

Conditions:
CBFB-related disorder. Also called: CBFB-related condition.

Submission:

PreventionGenetics, part of Exact Sciences
Classification: Likely benign for CBFB-related condition. Last evaluated: 2022-12-05. Review status: no assertion criteria provided. Collection method: clinical testing. Allele origin: germline.
Comment: This variant is classified as likely benign based on ACMG/AMP sequence variant interpretation guidelines (Richards et al. 2015 PMID: 25741868, with internal and published modifications).

NM_022845.3(CBFB):c.78+8_78+11del

Genes: CBFB (core-binding factor subunit beta; plus strand), LOC130059175 (ATAC-STARR-seq lymphoblastoid silent region 7577; plus strand). Cytogenetic location: 16q22.1.
Variant type: Microsatellite.
Coding change: c.78+8_78+11del on transcript NM_022845.3 (MANE Select); bases 8 to 11 of the intron after coding-DNA position 78, 4 bases deleted (AGGC; older notation c.78+8_78+11delAGGC).
Molecular consequence: intron variant.
Genome position (GRCh38, 1-based): chr16:67,029,493-67,029,496, AGGC deleted; deleting any 4 consecutive bases within chr16:67,029,489-67,029,496 gives the same sequence; the c. name uses the placement nearest the transcript's 3' end. VCF-style (leftmost placement, unchanged base first): chr16-67029488-GAGGC-G. GRCh37 (hg19) VCF-style: chr16-67063391-GAGGC-G.
Other names: c.78+8_78+11del (NM_001755.3, NM_001368710.1, NM_001368708.1 and 2 more transcripts).
Identifiers: ClinVar variation 3054501 (VCV003054501.2), dbSNP rs755033312, ClinGen allele CA8100185.